The following is an entry in ClinVar:

NM_000245.4(MET):c.3814C>A (p.Leu1272Ile)

Gene: MET (MET proto-oncogene, receptor tyrosine kinase; plus strand). Cytogenetic location: 7q31.2.
Variant type: single nucleotide variant.
Coding change: c.3814C>A on transcript NM_000245.4 (MANE Select); coding-DNA position 3814, C replaced by A.
Protein change: p.Leu1272Ile; replaces leucine 1272 with isoleucine.
Molecular consequence: missense variant.
Genome position (GRCh38, 1-based): chr7:116,795,670, C>A. VCF-style: chr7-116795670-C-A. GRCh37 (hg19) VCF-style: chr7-116435724-C-A.
Other names: c.3868C>A, p.Leu1290Ile (NM_001127500.3); c.2524C>A, p.Leu842Ile (NM_001324402.2); short protein forms L1290I, L842I, L1272I.
Identifiers: ClinVar variation 4730311 (VCV004730311.1).
Genomic context (GRCh38, chr7:116,795,670, plus strand): 5'-TGGTCACATCTCTCACCTCATCTGTCCTGTTTCTTGTTTTACTAGTGGTCCTTTGGCGTG[C>A]TCCTCTGGGAGCTGATGACAAGAGGAGCCCCACCTTATCCTGACGTAAACACCTTTGATA-3'
Protein context (NP_000236.2, residues 1262-1282): TKSDVWSFGV[Leu1272Ile]LWELMTRGAP

ClinVar aggregate classification (germline): Uncertain significance (1 of 4 stars; one submission).

Conditions:
Renal cell carcinoma. Identifiers: Orphanet 217071, MedGen C0007134, MeSH D002292, MONDO:0005086, HP:0005584.

Submission:

Labcorp Genetics (formerly Invitae), Labcorp
Classification: Uncertain significance for Renal cell carcinoma. Last evaluated: 2025-05-19. Review status: criteria provided, single submitter. Criteria: Invitae Variant Classification Sherloc (09022015). Collection method: clinical testing. Allele origin: germline.
Comment: This sequence change replaces leucine, which is neutral and non-polar, with isoleucine, which is neutral and non-polar, at codon 1290 of the MET protein (p.Leu1290Ile). This variant is not present in population databases (gnomAD no frequency). This variant has not been reported in the literature in individuals affected with MET-related conditions. Invitae Evidence Modeling of protein sequence and biophysical properties (such as structural, functional, and spatial information, amino acid conservation, physicochemical variation, residue mobility, and thermodynamic stability) indicates that this missense variant is expected to disrupt MET protein function with a positive predictive value of 80%. In summary, the available evidence is currently insufficient to determine the role of this variant in disease. Therefore, it has been classified as a Variant of Uncertain Significance.